The following is an entry in ClinVar:

NM_001267550.2(TTN):c.87887_87890del (p.His29296fs)

Genes: TTN (titin; minus strand), TTN-AS1 (TTN antisense RNA 1; plus strand). Cytogenetic location: 2q31.2.
Variant type: Deletion.
Coding change: c.87887_87890del on transcript NM_001267550.2 (MANE Select); coding-DNA positions 87887 to 87890, 4 bases deleted (ACTT; older notation c.87887_87890delACTT).
Protein change: p.His29296fs; shifts the reading frame from histidine 29296.
Molecular consequence: frameshift variant.
Genome position (GRCh38, 1-based): chr2:178,557,372-178,557,375, AAGT deleted on the plus strand (ACTT on the coding strand, the reverse complement: TTN is on the minus strand). VCF-style (leftmost placement, unchanged base first): chr2-178557371-GAAGT-G. GRCh37 (hg19) VCF-style: chr2-179422098-GAAGT-G.
Other names: c.82964_82967del, p.His27655fs (NM_001256850.1); c.60692_60695del, p.His20231fs (NM_003319.4); c.80183_80186del, p.His26728fs (NM_133378.4); c.61067_61070del, p.His20356fs (NM_133432.3); c.61268_61271del, p.His20423fs (NM_133437.4); c.87887_87890delACTT (LRG_391t1); short protein forms H20423fs, H29296fs, H26728fs, H27655fs, H20231fs, H20356fs.
Identifiers: ClinVar variation 223388 (VCV000223388.1), dbSNP rs869312120, ClinGen allele CA353032.

ClinVar aggregate classification (germline): Likely pathogenic (1 of 4 stars; one submission).

Conditions:
Primary dilated cardiomyopathy (DCM). Also called: Dilated Cardiomyopathy. Identifiers: Orphanet 217604, MedGen C0007193, MeSH D002311, MONDO:0005021, HP:0001644. Inheritance: Various modes of inheritance.

Submission:

Cardiovascular Biomedical Research Unit, Royal Brompton & Harefield NHS Foundation Trust
Classification: Likely pathogenic for Primary dilated cardiomyopathy. Last evaluated: 2014-10-08. Review status: criteria provided, single submitter. Criteria: Roberts et al. 2015. Collection method: research. Allele origin: germline. Inheritance: Autosomal dominant inheritance. Affected: yes. Observed: 1 variant allele. Study: Familial DCM.
Comment: In the seven cohorts assessed, TTNtv were found in 14% of ambulant DCM, 22% end-stage or familial DCM, and 2% controls. Heterozygous nonsense, frameshift and canonical splice-disrupting variants found in constitutive and other highly utilised exons are highly likely to be pathogenic when identified in individuals with phenotypically confirmed DCM. TTNtv found incidentally in healthy individuals (excluding familial assessment of DCM relatives) are thought to have low penetrance, particularly when identified in exons that are not constitutively expressed in the heart.